The following is an entry in ClinVar:

ClinVar aggregate classification (germline): Pathogenic/Likely pathogenic. Review status: criteria provided, multiple submitters, no conflicts (2 of 4 stars). 4 submissions from 4 submitters: Pathogenic (2); Likely pathogenic (2). Last evaluated 2025-10-07.

Conditions:
Progressive external ophthalmoplegia with mitochondrial DNA deletions, autosomal dominant 3. Also called: PROGRESSIVE EXTERNAL OPHTHALMOPLEGIA, AUTOSOMAL DOMINANT 3. Identifiers: MedGen C1836439, MONDO:0012241, OMIM 609286.

Allele frequency attached by ClinVar (database versions not stated): gnomAD exomes below 0.00001 and 0.00001; TOPMed 0.00001.
gnomAD v4.1: 11 of 1,612,260 alleles (0.00068%); highest among the groups gnomAD compares: East Asian, 0.0045%; no homozygotes.

Submissions (4):

Labcorp Genetics (formerly Invitae), Labcorp
Classification: Pathogenic. Last evaluated: 2025-10-07. Review status: criteria provided, single submitter. Criteria: Invitae Variant Classification Sherloc (09022015). Collection method: clinical testing. Allele origin: germline.
Comment: This sequence change replaces arginine, which is basic and polar, with tryptophan, which is neutral and slightly polar, at codon 303 of the TWNK protein (p.Arg303Trp). This variant is present in population databases (no rsID available, gnomAD 0.0009%). This missense change has been observed in individuals with autsomal dominant progressive external ophthalmoplegia (PMID: 12707443, 19428252). ClinVar contains an entry for this variant (Variation ID: 1210826). Invitae Evidence Modeling of protein sequence and biophysical properties (such as structural, functional, and spatial information, amino acid conservation, physicochemical variation, residue mobility, and thermodynamic stability) indicates that this missense variant is expected to disrupt TWNK protein function with a positive predictive value of 95%. This variant disrupts the p.Arg303 amino acid residue in TWNK. Other variant(s) that disrupt this residue have been determined to be pathogenic (PMID: 19353676, 20479361, 31271879). This suggests that this residue is clinically significant, and that variants that disrupt this residue are likely to be disease-causing. For these reasons, this variant has been classified as Pathogenic.

GeneDx
Classification: Likely pathogenic. Last evaluated: 2020-12-16. Review status: criteria provided, single submitter. Criteria: GeneDx Variant Classification Process June 2021. Collection method: clinical testing. Allele origin: germline. Affected: yes.
Comment: Not observed at a significant frequency in large population cohorts (Lek et al., 2016); In silico analysis supports that this missense variant has a deleterious effect on protein structure/function; This variant is associated with the following publications: (PMID: 18575922, 12707443, 19428252, 23719791, 19353676, 20479361, 24091712, 22353293, 20880070, 27551684, 20659899)

Victorian Clinical Genetics Services, Murdoch Childrens Research Institute
Classification: Pathogenic for Progressive external ophthalmoplegia with mitochondrial DNA deletions, autosomal dominant 3. Last evaluated: 2020-10-19. Review status: criteria provided, single submitter. Criteria: ACMG Guidelines, 2015. Collection method: clinical testing. Allele origin: germline. Inheritance: Autosomal dominant inheritance. Affected: yes.
Comment: Based on the classification scheme VCGS_Germline_v1.3.3, this variant is classified as Pathogenic. Following criteria are met: 0103 - Dominant negative and loss of function are known mechanisms of disease in this gene and are associated with progressive external ophthalmoplegia with mitochondrial DNA deletions 3 (MIM#609286) (PMID: 18971204). (I) 0108 - This gene is associated with both recessive and dominant disease. Mitochondrial DNA depletion syndrome 7 (hepatocerebral type) (MIM#271245) and Perrault syndrome 5 (MIM#616138) are inherited in a recessive manner, whereas progressive external ophthalmoplegia with mitochondrial DNA deletions 3 (MIM#609286) is a dominant condition (OMIM). (I) 0200 - Variant is predicted to result in a missense amino acid change from arginine to tryptophan. (I) 0251 - This variant is heterozygous. (I) 0302 - Variant is present in gnomAD (v2) <0.001 for a dominant condition (1 heterozygote, 0 homozygotes). (SP) 0309 - Alternative amino acid changes at the same position have been observed in gnomAD (v2 & v3) (3 heterozygotes, 0 homozygotes). (I) 0501 - Missense variant consistently predicted to be damaging by multiple in silico tools and highly conserved with a major amino acid change. (SP) 0600 - Variant is located in the annotated topoisomerase-primase (TORPIM) nucleotidyl transferase/hydrolase domain (NCBI). (I) 0703 - Another missense variant comparable to the one identified in this case has moderate previous evidence for pathogenicity. An alternative change to glutamine at the same residue has previously been reported as pathogenic in individuals with autosomal dominant progressive external ophthalmoplegia with mitochondrial DNA deletions 3 (MIM#609286) (PMID: 20479361). (SP) 0801 - This variant has strong previous evidence of pathogenicity in unrelated individuals. The variant has previously been reported as pathogenic in multiple individuals and families with autosomal dominant progressive external ophthalmoplegia with mitochondrial DNA deletions 3 (MIM#609286) (PMIDs: 18575922, 20479361). (SP) 1102 - Strong phenotype match for this individual. (SP) 1208 - Inheritance information for this variant is not currently available in this individual. (I) Legend: (SP) - Supporting pathogenic, (I) - Information, (SB) - Supporting benign

Revvity Omics, Revvity
Classification: Likely pathogenic. Last evaluated: 2019-06-26. Review status: criteria provided, single submitter. Criteria: ACMG Guidelines, 2015. Collection method: clinical testing. Allele origin: germline.

Literature cited by the submitters: PubMed 12707443 (cited by Labcorp Genetics (formerly Invitae), Labcorp); PubMed 19428252 (cited by Labcorp Genetics (formerly Invitae), Labcorp); PubMed 19353676 (cited by Labcorp Genetics (formerly Invitae), Labcorp); PubMed 20479361 (cited by Labcorp Genetics (formerly Invitae), Labcorp and Victorian Clinical Genetics Services, Murdoch Childrens Research Institute); PubMed 31271879 (cited by Labcorp Genetics (formerly Invitae), Labcorp); PubMed 18575922 (cited by Victorian Clinical Genetics Services, Murdoch Childrens Research Institute); PubMed 18971204 (cited by Victorian Clinical Genetics Services, Murdoch Childrens Research Institute).

NM_021830.5(TWNK):c.907C>T (p.Arg303Trp)

Gene: TWNK (twinkle mtDNA helicase; plus strand). Cytogenetic location: 10q24.31.
Variant type: single nucleotide variant.
Coding change: c.907C>T on transcript NM_021830.5 (MANE Select); coding-DNA position 907, C replaced by T.
Protein change: p.Arg303Trp; replaces arginine 303 with tryptophan.
Molecular consequence: missense variant. On other transcripts: non-coding transcript variant (4), intron variant (3).
Genome position (GRCh38, 1-based): chr10:100,989,117, C>T. VCF-style: chr10-100989117-C-T. GRCh37 (hg19) VCF-style: chr10-102748874-C-T.
Other names: c.907C>T, p.Arg303Trp (NM_001163812.2); c.-119-527C>T (NM_001163814.2, NM_001163813.2); c.-57-589C>T (NM_001368275.1); short protein forms R303W.
Identifiers: ClinVar variation 1210826 (VCV001210826.10), dbSNP rs1159929268, ClinGen allele CA378208813.